The following is an entry in ClinVar:

NM_007078.3(LDB3):c.184C>T (p.His62Tyr)

Gene: LDB3 (LIM domain binding 3; plus strand). Cytogenetic location: 10q23.2.
Variant type: single nucleotide variant.
Coding change: c.184C>T on transcript NM_007078.3 (MANE Select); coding-DNA position 184, C replaced by T.
Protein change: p.His62Tyr; replaces histidine 62 with tyrosine.
Molecular consequence: missense variant.
Genome position (GRCh38, 1-based): chr10:86,679,457, C>T. VCF-style: chr10-86679457-C-T. GRCh37 (hg19) VCF-style: chr10-88439214-C-T.
Other names: c.184C>T, p.His62Tyr (NM_001368064.1, NM_001368065.1, NM_001368066.1 and 8 more transcripts); short protein forms H62Y.
Identifiers: ClinVar variation 429716 (VCV000429716.5), dbSNP rs779234633, ClinGen allele CA5584610.

ClinVar aggregate classification (germline): Uncertain significance. Review status: criteria provided, multiple submitters, no conflicts (2 of 4 stars). 2 submissions from 2 submitters: Uncertain significance (2). Last evaluated 2024-12-17.

Conditions:
Myofibrillar myopathy 4. Also called: Zaspopathy (type). Identifiers: Orphanet 98912, MedGen C4721886, MONDO:0012277, OMIM 609452.

Allele frequency attached by ClinVar (database versions not stated): gnomAD exomes below 0.00001; ExAC 0.00001.
gnomAD v4.1: 2 of 1,614,150 alleles (0.00012%); highest among the groups gnomAD compares: Non-Finnish European, 0.00017%; no homozygotes.

Submissions (2):

Labcorp Genetics (formerly Invitae), Labcorp
Classification: Uncertain significance for Myofibrillar myopathy 4. Last evaluated: 2024-12-17. Review status: criteria provided, single submitter. Criteria: Invitae Variant Classification Sherloc (09022015). Collection method: clinical testing. Allele origin: germline.
Comment: This sequence change replaces histidine, which is basic and polar, with tyrosine, which is neutral and polar, at codon 62 of the LDB3 protein (p.His62Tyr). This variant is present in population databases (rs779234633, gnomAD 0.0009%). This variant has not been reported in the literature in individuals affected with LDB3-related conditions. ClinVar contains an entry for this variant (Variation ID: 429716). An algorithm developed to predict the effect of missense changes on protein structure and function (PolyPhen-2) suggests that this variant is likely to be disruptive. In summary, the available evidence is currently insufficient to determine the role of this variant in disease. Therefore, it has been classified as a Variant of Uncertain Significance.

GeneDx
Classification: Uncertain significance. Last evaluated: 2017-05-12. Review status: criteria provided, single submitter. Criteria: GeneDx Variant Classification (06012015). Collection method: clinical testing. Allele origin: germline. Affected: yes.
Comment: A variant of uncertain significance has been identified in the LDB3 gene. The H62Y variant has not been published as pathogenic or been reported as benign to our knowledge. This variant is not observed at a significant frequency in large population cohorts (Lek et al., 2016; 1000 Genomes Consortium et al., 2015; Exome Variant Server). The H62Y variant is a non-conservative amino acid substitution, which is likely to impact secondary protein structure as these residues differ in polarity, charge, size and/or other properties. Additionally, this substitution occurs at a position that is conserved across species. Furthermore, in silico analysis predicts this variant is probably damaging to the protein structure/function